The following is an entry in ClinVar:

NM_206933.4(USH2A):c.14419G>A (p.Ala4807Thr)

Gene: USH2A (usherin; minus strand). Cytogenetic location: 1q41.
Variant type: single nucleotide variant.
Coding change: c.14419G>A on transcript NM_206933.4 (MANE Select); coding-DNA position 14419, G replaced by A.
Protein change: p.Ala4807Thr; replaces alanine 4807 with threonine.
Molecular consequence: missense variant.
Genome position (GRCh38, 1-based): chr1:215,648,691, C>T on the plus strand (G>A on the coding strand, the complement: USH2A is on the minus strand). VCF-style: chr1-215648691-C-T. GRCh37 (hg19) VCF-style: chr1-215822033-C-T.
Other names: NM_206933.2(USH2A):c.14419G>A(p.Ala4807Thr); NM_206933.2(USH2A):c.14419G>A; NM_206933.4(USH2A):c.14419G>A; short protein forms A4807T.
Identifiers: ClinVar variation 198366 (VCV000198366.19), dbSNP rs534656527, ClinGen allele CA246980.

ClinVar aggregate classification (germline): Uncertain significance. Review status: reviewed by expert panel (3 of 4 stars). 8 submissions from 8 submitters: Uncertain significance (1). 7 of the submissions do not count toward it. Last evaluated 2024-02-21.

Conditions:
Usher syndrome. Also called: Usher's syndrome; Usher Syndromes. Identifiers: Orphanet 886, MedGen CN469326, MeSH D052245, MONDO:0019501. Disease mechanism: loss of function.
Usher syndrome type 2A. Also called: RETINAL DISEASE IN USHER SYNDROME TYPE IIA, MODIFIER OF; USHER SYNDROME, TYPE IIA. Identifiers: Orphanet 231178, Orphanet 886, MedGen C1848634, MONDO:0010169, OMIM 276901.
Retinitis pigmentosa 39 (RP39). Identifiers: Orphanet 791, MedGen C3151138, MONDO:0013436, OMIM 613809.

Allele frequency attached by ClinVar (database versions not stated): TOPMed 0.00003; 1000 Genomes Project 0.00020; 1000 Genomes Project 30x 0.00031; gnomAD 0.00005; gnomAD exomes 0.00006; ExAC 0.00008.
gnomAD v4.1: 88 of 1,614,170 alleles (0.0055%); highest among the groups gnomAD compares: South Asian, 0.0099%; no homozygotes.

Submissions (8):

ClinGen Hearing Loss Variant Curation Expert Panel
Classification: Uncertain significance for Usher syndrome. Last evaluated: 2024-02-21. Review status: reviewed by expert panel. Criteria: Clingen Hl Acmg Specifications Cdh23 Coch Gjb2 Kcnq4 Myo6 Myo7a Slc26a4 Tecta Ush2a V2. Collection method: curation. Allele origin: germline. Inheritance: Autosomal recessive inheritance.
Comment: The variant NM_206933.4:c.14419G>A in USH2A is a missense variant predicted to cause substitution of alanine by threonine at amino acid 4807 (p.Ala4807Thr). The filtering allele frequency (the upper threshold of the 95% CI of 5/30782) of the c.14419G>A variant in USH2A is 0.00006365 for South Asian chromosomes by gnomAD v2.1.1, which is lower than the ClinGen Hearing Loss VCEP threshold (<0.00007) for PM2_Supporting, and therefore meets this criterion (PM2_Supporting). In summary, the clinical significance of this variant is uncertain. ACMG/AMP criteria applied, as specified by the Hearing Loss Expert Panel: PM2_Supporting (ClinGen Hearing Loss VCEP specifications version 2; 2/21/2024).

Blueprint Genetics
Classification: Uncertain significance. Last evaluated: 2024-10-09. Review status: criteria provided, single submitter. Criteria: ACMG Guidelines, 2015. Collection method: clinical testing. Allele origin: germline. Not counted in ClinVar's aggregate classification.

Labcorp Genetics (formerly Invitae), Labcorp
Classification: Uncertain significance. Last evaluated: 2022-08-09. Review status: criteria provided, single submitter. Criteria: Invitae Variant Classification Sherloc (09022015). Collection method: clinical testing. Allele origin: germline. Not counted in ClinVar's aggregate classification.
Comment: This sequence change replaces alanine, which is neutral and non-polar, with threonine, which is neutral and polar, at codon 4807 of the USH2A protein (p.Ala4807Thr). This variant is present in population databases (rs534656527, gnomAD 0.02%). This variant has not been reported in the literature in individuals affected with USH2A-related conditions. ClinVar contains an entry for this variant (Variation ID: 198366). Algorithms developed to predict the effect of missense changes on protein structure and function are either unavailable or do not agree on the potential impact of this missense change (SIFT: "Deleterious"; PolyPhen-2: "Probably Damaging"; Align-GVGD: "Class C0"). In summary, the available evidence is currently insufficient to determine the role of this variant in disease. Therefore, it has been classified as a Variant of Uncertain Significance.

GeneDx
Classification: Uncertain significance. Last evaluated: 2019-08-07. Review status: criteria provided, single submitter. Criteria: GeneDx Variant Classification Process June 2021. Collection method: clinical testing. Allele origin: germline. Affected: yes. Not counted in ClinVar's aggregate classification.
Comment: In silico analysis, which includes protein predictors and evolutionary conservation, supports that this variant does not alter protein structure/function; This variant is associated with the following publications: (PMID: 29343940)

Eurofins Ntd Llc (ga)
Classification: Uncertain significance. Last evaluated: 2015-04-28. Review status: criteria provided, single submitter. Criteria: EGL Classification Definitions 2015. Collection method: clinical testing. Allele origin: germline. Observed: 1 variant allele, 1 heterozygote. Not counted in ClinVar's aggregate classification.

Laboratory for Molecular Medicine, Mass General Brigham Personalized Medicine
Classification: Uncertain significance. Last evaluated: 2015-03-25. Review status: criteria provided, single submitter. Criteria: LMM Criteria. Collection method: clinical testing. Allele origin: germline. Observed: 1 variant allele. Not counted in ClinVar's aggregate classification.
Comment: The p.Ala4807Thr variant in USH2A has not been previously reported in individual s with hearing loss, but has been identified in 5/66724 European chromosomes and 5/16512 South Asian chromosomes by the Exome Aggregation Consortium (ExAC; dbSNP rs534656527). Computational prediction tools a nd conservation analyses do not provide strong support for or against an impact to the protein. In summary, the clinical significance of the p.Ala4807Thr varian t is uncertain.

Natera, Inc.
Classification: Uncertain significance for Usher syndrome type 2A. Last evaluated: 2020-09-16. Review status: no assertion criteria provided. Collection method: clinical testing. Allele origin: germline. Not counted in ClinVar's aggregate classification.

Counsyl
Classification: Uncertain significance for Usher syndrome type 2A; Retinitis pigmentosa 39. Last evaluated: 2017-02-14. Review status: no assertion criteria provided. Collection method: clinical testing. Allele origin: unknown. Not counted in ClinVar's aggregate classification.